The following is an entry in ClinVar:

NM_006005.3(WFS1):c.2356G>A (p.Gly786Ser)

Gene: WFS1 (wolframin ER transmembrane glycoprotein; plus strand). Cytogenetic location: 4p16.1.
Variant type: single nucleotide variant.
Coding change: c.2356G>A on transcript NM_006005.3 (MANE Select); coding-DNA position 2356, G replaced by A.
Protein change: p.Gly786Ser; replaces glycine 786 with serine.
Molecular consequence: missense variant.
Genome position (GRCh38, 1-based): chr4:6,302,151, G>A. VCF-style: chr4-6302151-G-A. GRCh37 (hg19) VCF-style: chr4-6303878-G-A.
Other names: p.G786S:GGC>AGC; c.2356G>A, p.Gly786Ser (NM_001145853.1); short protein forms G786S.
Identifiers: ClinVar variation 95323 (VCV000095323.89), dbSNP rs71578980, ClinGen allele CA285653.
Genomic context (GRCh38, chr4:6,302,151, plus strand): 5'-CACATCAAGAAGTTCGACCGCTACAAGTTTGAGATTACCGTGGGCATGCCATTCAGCAGC[G>A]GCGCTGACGGCTCGCGCAGCCGCGAGGAGGACGACGTCACCAAGGACATCGTGCTGCGGG-3'
Protein context (NP_005996.2, residues 776-796): EITVGMPFSS[Gly786Ser]ADGSRSREED

ClinVar aggregate classification (germline): Benign/Likely benign. Review status: criteria provided, multiple submitters, no conflicts (2 of 4 stars). 14 submissions from 13 submitters: Benign (5); Likely benign (6). 3 of the submissions do not count toward it. Last evaluated 2026-02-02.

Conditions:
Inborn genetic diseases. Identifiers: MedGen C0950123, MeSH D030342.
WFS1-Related Spectrum Disorders.
Monogenic diabetes. Identifiers: Orphanet 183625, MedGen C3888631, MONDO:0015967.
Autosomal dominant nonsyndromic hearing loss 6 (LFSNHL). Also called: DEAFNESS, AUTOSOMAL DOMINANT 6; DEAFNESS, AUTOSOMAL DOMINANT 14; DEAFNESS, AUTOSOMAL DOMINANT 38; Autosomal dominant nonsyndromic deafness 6. Identifiers: Orphanet 90635, MedGen C1833021, MONDO:0010963, OMIM 600965.
Wolfram syndrome 1 (WFS1). Identifiers: Orphanet 3463, MedGen C4551693, MONDO:0009101, OMIM 222300.

Allele frequency attached by ClinVar (database versions not stated): ExAC 0.00073; 1000 Genomes Project 30x 0.00312; gnomAD 0.00239 and 0.00228; TOPMed 0.00233; ESP Exome Variant Server 0.00217; 1000 Genomes Project 0.00300.

Submissions (14):

Labcorp Genetics (formerly Invitae), Labcorp
Classification: Likely benign. Last evaluated: 2026-02-02. Review status: criteria provided, single submitter. Criteria: Invitae Variant Classification Sherloc (09022015). Collection method: clinical testing. Allele origin: germline.

Blueprint Genetics
Classification: Likely benign. Last evaluated: 2024-11-01. Review status: criteria provided, single submitter. Criteria: ACMG Guidelines, 2015. Collection method: clinical testing. Allele origin: germline.

CeGaT Center for Human Genetics Tuebingen
Classification: Likely benign. Last evaluated: 2024-07-01. Review status: criteria provided, single submitter. Criteria: CeGaT Center For Human Genetics Tuebingen Variant Classification Criteria Version 2. Collection method: clinical testing. Allele origin: germline. Affected: yes. Observed: 3 variant alleles.
Comment: WFS1: BP4

Ambry Genetics
Classification: Likely benign for Inborn genetic diseases. Last evaluated: 2023-10-25. Review status: criteria provided, single submitter. Criteria: Ambry Variant Classification Scheme 2023. Collection method: clinical testing. Allele origin: germline.

Personalized Diabetes Medicine Program, University of Maryland School of Medicine
Classification: Benign for Monogenic diabetes. Last evaluated: 2019-02-08. Review status: criteria provided, single submitter. Criteria: ACMG Guidelines, 2015. Collection method: research. Allele origin: unknown. Observed: 2 variant alleles, 2 heterozygotes.
Comment: ACMG criteria: BP4 (REVEL 0.142 + 8 predictors; not using PP3/2 predictors), BS2 (20 cases and 19 controls in an online resource), BS1 (0.75% MAF in Africans in gnomAD)= benign

Illumina Laboratory Services, Illumina
Classification: Likely benign for Autosomal dominant nonsyndromic hearing loss 6. Last evaluated: 2017-04-27. Review status: criteria provided, single submitter. Criteria: ICSL Variant Classification Criteria 13 December 2019. Collection method: clinical testing. Allele origin: germline.
Comment: This variant was observed as part of a predisposition screen in an ostensibly healthy population. A literature search was performed for the gene, cDNA change, and amino acid change (where applicable). No publications were found based on this search. Allele frequency data from public databases allowed determination this variant is unlikely to cause disease. Therefore, this variant is classified as likely benign.

Illumina Laboratory Services, Illumina
Classification: Likely benign for WFS1-Related Spectrum Disorders. Last evaluated: 2017-04-27. Review status: criteria provided, single submitter. Criteria: ICSL Variant Classification Criteria 13 December 2019. Collection method: clinical testing. Allele origin: germline.
Comment: This variant was observed as part of a predisposition screen in an ostensibly healthy population. A literature search was performed for the gene, cDNA change, and amino acid change (where applicable). Publications were found based on this search. The evidence from the literature, in combination with allele frequency data from public databases where available, was sufficient to determine this variant is unlikely to cause disease. Therefore, this variant is classified as likely benign.

GeneDx
Classification: Benign. Last evaluated: 2014-05-12. Review status: criteria provided, single submitter. Criteria: GeneDx Variant Classification (06012015). Collection method: clinical testing. Allele origin: germline. Affected: yes.
Comment: This variant is considered likely benign or benign based on one or more of the following criteria: it is a conservative change, it occurs at a poorly conserved position in the protein, it is predicted to be benign by multiple in silico algorithms, and/or has population frequency not consistent with disease.

Eurofins Ntd Llc (ga)
Classification: Benign. Last evaluated: 2013-08-14. Review status: criteria provided, single submitter. Criteria: EGL Classification Definitions 2015. Collection method: clinical testing. Allele origin: germline. Observed: 1 variant allele, 1 heterozygote.

Laboratory for Molecular Medicine, Mass General Brigham Personalized Medicine
Classification: Benign. Last evaluated: 2012-04-30. Review status: criteria provided, single submitter. Criteria: LMM Criteria. Collection method: clinical testing. Allele origin: germline. Observed: 2 variant alleles.
Comment: Gly786Ser in Exon 08 of WFS1: This variant is not expected to have clinical sign ificance because it has been identified in 0.6% (22/3698) of African American ch romosomes from a broad population by the NHLBI Exome Sequencing Project (dbSNP rs71578980).

Clinical Genomics, Uppaluri K&H Personalized Medicine Clinic
Classification: Benign for Wolfram syndrome 1. Review status: criteria provided, single submitter. Criteria: K & H Uppaluri Personalized Medicine Clinic Variant Classification & Assertion Criteria_Updated V.1. Collection method: research. Allele origin: unknown. Inheritance: Autosomal dominant inheritance.
Comment: Potent mutations in WFS1 gene are associated with Wolfram's syndrome, an autosomal recessive condition, which cause diabetes mellitus, diabetes insipidus, deafness and optic atrophy.However no sufficient evidence is found to ascertain the role of this particular variant rs71578980 yet.

Clinical Genetics DNA and cytogenetics Diagnostics Lab, Erasmus MC, Erasmus Medical Center
Classification: Likely benign. Review status: no assertion criteria provided. Collection method: clinical testing. Allele origin: germline. Affected: yes. Study: VKGL Data-share Consensus. Not counted in ClinVar's aggregate classification.

Joint Genome Diagnostic Labs from Nijmegen and Maastricht, Radboudumc and MUMC+
Classification: Likely benign. Review status: no assertion criteria provided. Collection method: clinical testing. Allele origin: germline. Affected: yes. Study: VKGL Data-share Consensus. Not counted in ClinVar's aggregate classification.

Laboratory of Diagnostic Genome Analysis, Leiden University Medical Center (LUMC)
Classification: Likely benign. Review status: no assertion criteria provided. Collection method: clinical testing. Allele origin: germline. Affected: yes. Study: VKGL Data-share Consensus. Not counted in ClinVar's aggregate classification.

Literature cited by the submitters: PubMed 11244483 (cited by Illumina Laboratory Services, Illumina); PubMed 20738327 (cited by Clinical Genomics, Uppaluri K&H Personalized Medicine Clinic); PubMed 33879153 (cited by Clinical Genomics, Uppaluri K&H Personalized Medicine Clinic); PubMed 12955714 (cited by Clinical Genomics, Uppaluri K&H Personalized Medicine Clinic); PubMed 18060660 (cited by Clinical Genomics, Uppaluri K&H Personalized Medicine Clinic); PubMed 20301750 (cited by Clinical Genomics, Uppaluri K&H Personalized Medicine Clinic); PubMed 17603484 (cited by Clinical Genomics, Uppaluri K&H Personalized Medicine Clinic).